The following is an entry in ClinVar:

NM_000258.3(MYL3):c.152T>C (p.Ile51Thr)

Gene: MYL3 (myosin light chain 3; minus strand). Cytogenetic location: 3p21.31.
Variant type: single nucleotide variant.
Coding change: c.152T>C on transcript NM_000258.3 (MANE Select); coding-DNA position 152, T replaced by C.
Protein change: p.Ile51Thr; replaces isoleucine 51 with threonine.
Molecular consequence: missense variant.
Genome position (GRCh38, 1-based): chr3:46,860,965, A>G on the plus strand (T>C on the coding strand, the complement: MYL3 is on the minus strand). VCF-style: chr3-46860965-A-G. GRCh37 (hg19) VCF-style: chr3-46902455-A-G.
Other names: short protein forms I51T.
Identifiers: ClinVar variation 426762 (VCV000426762.20), dbSNP rs749017586, ClinGen allele CA042658.

ClinVar aggregate classification (germline): Uncertain significance. Review status: criteria provided, multiple submitters, no conflicts (2 of 4 stars). 7 submissions from 7 submitters: Uncertain significance (7). Last evaluated 2025-12-22.

Conditions:
Cardiovascular phenotype. Identifiers: MedGen CN230736.
Cardiomyopathy (CMYO). Also called: Cardiomyopathies. Identifiers: Orphanet 167848, MedGen C0878544, MONDO:0004994, HP:0001638. Inheritance: Various modes of inheritance.
Hypertrophic cardiomyopathy 8. Also called: CARDIOMYOPATHY, HYPERTROPHIC, MID-LEFT VENTRICULAR CHAMBER TYPE, 1; MYL3-Related Familial Hypertrophic Cardiomyopathy. Identifiers: MedGen C1837471, MONDO:0012111, OMIM 608751.
Hypertrophic cardiomyopathy. Also called: HYPERTROPHIC MYOCARDIOPATHY. Identifiers: Orphanet 217569, MedGen C0007194, MeSH D002312, MONDO:0005045, HP:0001639.

Allele frequency attached by ClinVar (database versions not stated): TOPMed 0.00003; gnomAD 0.00002 and 0.00003.

Submissions (7):

Labcorp Genetics (formerly Invitae), Labcorp
Classification: Uncertain significance for Hypertrophic cardiomyopathy. Last evaluated: 2025-12-22. Review status: criteria provided, single submitter. Criteria: Invitae Variant Classification Sherloc (09022015). Collection method: clinical testing. Allele origin: germline.
Comment: This sequence change replaces isoleucine, which is neutral and non-polar, with threonine, which is neutral and polar, at codon 51 of the MYL3 protein (p.Ile51Thr). This variant is present in population databases (rs749017586, gnomAD 0.008%). This missense change has been observed in individual(s) with hypertrophic cardiomyopathy (PMID: 28790153). ClinVar contains an entry for this variant (Variation ID: 426762). An algorithm developed to predict the effect of missense changes on protein structure and function (PolyPhen-2) suggests that this variant is likely to be disruptive. In summary, the available evidence is currently insufficient to determine the role of this variant in disease. Therefore, it has been classified as a Variant of Uncertain Significance.

Color Diagnostics, LLC DBA Color Health
Classification: Uncertain significance for Cardiomyopathy. Last evaluated: 2024-07-01. Review status: criteria provided, single submitter. Criteria: ACMG Guidelines, 2015. Collection method: clinical testing. Allele origin: germline.
Comment: This missense variant replaces isoleucine with threonine at codon 51 of the MYL3 protein. Computational prediction tools indicate that this variant has a neutral impact on protein structure and function. To our knowledge, functional studies have not been reported for this variant. This variant has been reported in an individual affected with hypertrophic cardiomyopathy (PMID: 28408708, 28790153). This variant has been identified in 7/282726 chromosomes in the general population by the Genome Aggregation Database (gnomAD). The available evidence is insufficient to determine the role of this variant in disease conclusively. Therefore, this variant is classified as a Variant of Uncertain Significance.

Ambry Genetics
Classification: Uncertain significance for Cardiovascular phenotype. Last evaluated: 2024-04-16. Review status: criteria provided, single submitter. Criteria: Ambry Variant Classification Scheme 2023. Collection method: clinical testing. Allele origin: germline.
Comment: The p.I51T variant (also known as c.152T>C), located in coding exon 2 of the MYL3 gene, results from a T to C substitution at nucleotide position 152. The isoleucine at codon 51 is replaced by threonine, an amino acid with similar properties. This alteration has been reported in a hypertrophic cardiomyopathy (HCM) cohort (Ingles J et al. Circ Cardiovasc Genet, 2017 Apr;10:[ePub ahead of print]). This amino acid position is highly conserved in available vertebrate species. In addition, the in silico prediction for this alteration is inconclusive. Based on the available evidence, the clinical significance of this variant remains unclear.

All of Us Research Program, National Institutes of Health
Classification: Uncertain significance for Hypertrophic cardiomyopathy. Last evaluated: 2023-12-01. Review status: criteria provided, single submitter. Criteria: ACMG Guidelines, 2015. Collection method: clinical testing. Allele origin: germline. Inheritance: Autosomal dominant inheritance. Observed: 11 variant alleles, 11 heterozygotes.
Comment: This missense variant replaces isoleucine with threonine at codon 51 of the MYL3 protein. Computational prediction suggests that this variant may not impact protein structure and function (internally defined REVEL score threshold <= 0.5, PMID: 27666373). To our knowledge, functional studies have not been reported for this variant. This variant has been reported in an individual affected with hypertrophic cardiomyopathy (PMID: 28408708, 28790153). This variant has been identified in 7/282726 chromosomes in the general population by the Genome Aggregation Database (gnomAD). The available evidence is insufficient to determine the role of this variant in disease conclusively. Therefore, this variant is classified as a Variant of Uncertain Significance.

This study involves interpretation of variants in research participants for the purpose of population health screening. Participant phenotype was not available at the time of variant classification. Additional details can be found in publication PMID: 35346344, PMCID: PMC8962531

Women's Health and Genetics/Laboratory Corporation of America, LabCorp
Classification: Uncertain significance. Last evaluated: 2023-09-18. Review status: criteria provided, single submitter. Criteria: LabCorp Variant Classification Summary - May 2015. Collection method: clinical testing. Allele origin: germline.
Comment: Variant summary: MYL3 c.152T>C (p.Ile51Thr) results in a non-conservative amino acid change in the encoded protein sequence. Three of five in-silico tools predict a damaging effect of the variant on protein function. The variant allele was found at a frequency of 2.4e-05 in 251400 control chromosomes (gnomAD). The available data on variant occurrences in the general population are insufficient to allow any conclusion about variant significance. c.152T>C has been reported in the literature in at least one individual affected with Hypertrophic Cardiomyopathy (Burns_2017). This report does not provide unequivocal conclusions about association of the variant with Hypertrophic Cardiomyopathy. To our knowledge, no experimental evidence demonstrating an impact on protein function has been reported. The following publication has been ascertained in the context of this evaluation (PMID: 28790153). Four ClinVar submitters have assessed the variant since 2014, and all submitters classified the variant as uncertain significance. Based on the evidence outlined above, the variant was classified as uncertain significance.

GeneDx
Classification: Uncertain significance. Last evaluated: 2022-07-26. Review status: criteria provided, single submitter. Criteria: GeneDx Variant Classification Process June 2021. Collection method: clinical testing. Allele origin: germline. Affected: yes.
Comment: Observed in individuals referred to GeneDx for cardiomyopathy genetic testing; segregation data are currently uninformative; In silico analysis supports that this missense variant does not alter protein structure/function; This variant is associated with the following publications: (PMID: 28790153)

Agnes Ginges Centre for Molecular Cardiology, Centenary Institute
Classification: Uncertain significance for Hypertrophic cardiomyopathy 8. Last evaluated: 2017-03-24. Review status: criteria provided, single submitter. Criteria: ACMG Guidelines, 2015. Collection method: research. Allele origin: germline. Affected: yes.
Comment: The MYL3 Ile51Thr variant is absent from the 1000 genomes project, and is a rare occurrence in the Exome Aggregation Consortium dataset (MAF= 0.000017). Computational tools SIFT and MutationTaster predict this variant to be "deleterious" and "disease-causing", however PolyPhen-2 predicts this variant to be "benign". In summary, the rarity of this variant and its occurrence at a highly conserved amino acid position suggests that this change may not be tolerated. However, based on limited evidence in the literature and our limited familial data, we classify MYL3 Ile51Thr as a variant of "uncertain significance".

Literature cited by the submitters: PubMed 28790153 (cited by 4 submitters); PubMed 28408708 (cited by 3 submitters).